The following is an entry in ClinVar:

ClinVar aggregate classification (germline): Uncertain significance (1 of 4 stars; one submission).

gnomAD v4.1: 3 of 1,613,414 alleles (0.00019%); highest among the groups gnomAD compares: Non-Finnish European, 0.000085%; no homozygotes.

Submission:

Labcorp Genetics (formerly Invitae), Labcorp
Classification: Uncertain significance. Last evaluated: 2024-07-23. Review status: criteria provided, single submitter. Criteria: Invitae Variant Classification Sherloc (09022015). Collection method: clinical testing. Allele origin: germline.
Comment: This sequence change replaces proline, which is neutral and non-polar, with leucine, which is neutral and non-polar, at codon 752 of the AHDC1 protein (p.Pro752Leu). This variant is present in population databases (rs765215006, gnomAD 0.004%). This variant has not been reported in the literature in individuals affected with AHDC1-related conditions. An algorithm developed to predict the effect of missense changes on protein structure and function (PolyPhen-2) suggests that this variant is likely to be disruptive. In summary, the available evidence is currently insufficient to determine the role of this variant in disease. Therefore, it has been classified as a Variant of Uncertain Significance.

NM_001371928.1(AHDC1):c.2255C>T (p.Pro752Leu)

Gene: AHDC1 (AT-hook DNA binding motif containing 1; minus strand). Cytogenetic location: 1p36.11.
Variant type: single nucleotide variant.
Coding change: c.2255C>T on transcript NM_001371928.1 (MANE Select); coding-DNA position 2255, C replaced by T.
Protein change: p.Pro752Leu; replaces proline 752 with leucine.
Molecular consequence: missense variant.
Genome position (GRCh38, 1-based): chr1:27,549,861, G>A on the plus strand (C>T on the coding strand, the complement: AHDC1 is on the minus strand). VCF-style: chr1-27549861-G-A. GRCh37 (hg19) VCF-style: chr1-27876372-G-A.
Other names: c.2255C>T, p.Pro752Leu (NM_001029882.3); short protein forms P752L.
Identifiers: ClinVar variation 3660250 (VCV003660250.2).